The following is an entry in ClinVar:

GRCh37/hg19 15q13.2-13.3(chr15:31073735-32444044)x1

Genes: MTMR10 (myotubularin related protein 10; minus strand), MIR211 (microRNA 211; minus strand), KLF13 (KLF transcription factor 13; plus strand), CHRNA7 (cholinergic receptor nicotinic alpha 7 subunit), FAN1 (FANCD2 and FANCI associated nuclease 1; plus strand) and 2 more. Cytogenetic location: 15q13.2-13.3.
Variant type: copy number loss.
Change: copy number 1 (one copy instead of two) of chr15:31,073,735-32,444,044 (1.37 Mb, GRCh37 coordinates, 1-based), cytogenetic band 15q13.2-13.3.
Identifiers: ClinVar variation 564183 (VCV000564183.4).

ClinVar aggregate classification (germline): Pathogenic (1 of 4 stars; one submission).

Submission:

Quest Diagnostics Nichols Institute San Juan Capistrano
Classification: Pathogenic. Last evaluated: 2024-05-08. Review status: criteria provided, single submitter. Criteria: ACMG/ClinGen CNV Guidelines, 2019. Collection method: clinical testing. Allele origin: unknown.
Comment: This copy number loss represents the recurrent proximal (BP4-BP5) 15q13.3 microdeletion syndrome (OMIM 612001; ISCA-37411; van Bon 2022, Lowther 2015). CHRNA7 and OTUD7A are the primary candidate genes for neuropsychiatric manifestations of this syndrome (Gillentine 2015, Kozlova 2022). This copy number variant (CNV) is classified as pathogenic. References: Gillentine et al., Biochem Pharmacol. 2015 Oct 15;97(4):352-62. PMID: 26095975; Kozlova et al., Am J Hum Genet. 2022 Aug 4;109(8):1500-1519. PMID: 35931052; Lowther et al., Genet Med. 2015 Feb;17(2):149-57. PMID: 25077648; van Bon et al. GeneReviews [Internet]. [2022 Nov 17]. PMID 21290787